The following is an entry in ClinVar:

NM_001172509.2(SATB2):c.366G>T (p.Arg122Ser)

Gene: SATB2 (SATB homeobox 2; minus strand). Cytogenetic location: 2q33.1.
Variant type: single nucleotide variant.
Coding change: c.366G>T on transcript NM_001172509.2 (MANE Select); coding-DNA position 366, G replaced by T.
Protein change: p.Arg122Ser; replaces arginine 122 with serine.
Molecular consequence: missense variant.
Genome position (GRCh38, 1-based): chr2:199,381,801, C>A on the plus strand (G>T on the coding strand, the complement: SATB2 is on the minus strand). VCF-style: chr2-199381801-C-A. GRCh37 (hg19) VCF-style: chr2-200246524-C-A.
Other names: c.366G>T, p.Arg122Ser (NM_001172517.1, NM_015265.4); short protein forms R122S.
Identifiers: ClinVar variation 1704968 (VCV001704968.2), dbSNP rs1689786468, ClinGen allele CA350389264.
Genomic context (GRCh38, chr2:199,381,801, plus strand): 5'-CATGTCGGCCACTGTCGCGTCGGGTGCATCTGTCACATAACTGAGGGGGAGAGGGTTCCA[C>A]CTTCCCAGCTTGATTATTCCTGCACAGGGAAGAAAAACATAATAAACACATATCTGCTAT-3'
Protein context (NP_001165980.1, residues 112-132): AQAQGIIKLG[Arg122Ser]WNPLPLSYVT

ClinVar aggregate classification (germline): Uncertain significance (1 of 4 stars; one submission).

gnomAD v4.1: 1 of 1,614,040 alleles (0.000062%); highest among the groups gnomAD compares: Non-Finnish European, 0.000085%; no homozygotes.

Submission:

GeneDx
Classification: Uncertain significance. Last evaluated: 2022-03-10. Review status: criteria provided, single submitter. Criteria: GeneDx Variant Classification Process June 2021. Collection method: clinical testing. Allele origin: germline. Affected: yes.
Comment: De novo variant with confirmed parentage; however, the reported clinical features are only partially consistent with the features typically observed in individuals with pathogenic variants in this gene; In silico analysis supports that this missense variant does not alter protein structure/function; Not observed at significant frequency in large population cohorts (gnomAD); Has not been previously published as pathogenic or benign to our knowledge